The following is an entry in ClinVar:

ClinVar aggregate classification (germline): Uncertain significance (1 of 4 stars; one submission).

Conditions:
PCNT-related disorder. Also called: PCNT-related condition.

gnomAD v4.1: 1 of 1,612,342 alleles (0.000062%); highest among the groups gnomAD compares: African/African-American, 0.0013%; no homozygotes.

Submission:

PreventionGenetics, part of Exact Sciences
Classification: Uncertain significance for PCNT-related condition. Last evaluated: 2026-09-02. Review status: criteria provided, single submitter. Criteria: ACMG Guidelines, 2015. Collection method: clinical testing. Allele origin: germline.
Comment: The PCNT c.8249A>T variant is predicted to result in the amino acid substitution p.Glu2750Val. To our knowledge, this variant has not been reported in the literature or in a large population database (gnomAD), indicating this variant is rare. At this time, the clinical significance of this variant is uncertain due to the absence of conclusive functional and genetic evidence.

NM_006031.6(PCNT):c.8249A>T (p.Glu2750Val)

Gene: PCNT (pericentrin; plus strand). Cytogenetic location: 21q22.3.
Variant type: single nucleotide variant.
Coding change: c.8249A>T on transcript NM_006031.6 (MANE Select); coding-DNA position 8249, A replaced by T.
Protein change: p.Glu2750Val; replaces glutamic acid 2750 with valine.
Molecular consequence: missense variant.
Genome position (GRCh38, 1-based): chr21:46,431,713, A>T. VCF-style: chr21-46431713-A-T. GRCh37 (hg19) VCF-style: chr21-47851627-A-T.
Other names: c.7895A>T, p.Glu2632Val (NM_001315529.2); short protein forms E2632V, E2750V.
Identifiers: ClinVar variation 4992543 (VCV004992543.1).